The following is an entry in ClinVar:

NM_000094.4(COL7A1):c.4287C>T (p.Pro1429=)

Gene: COL7A1 (collagen type VII alpha 1 chain; minus strand). Cytogenetic location: 3p21.31.
Variant type: single nucleotide variant.
Coding change: c.4287C>T on transcript NM_000094.4 (MANE Select); coding-DNA position 4287, C replaced by T.
Protein change: p.Pro1429=; no amino-acid change (proline 1429 retained).
Molecular consequence: synonymous variant.
Genome position (GRCh38, 1-based): chr3:48,583,772, G>A on the plus strand (C>T on the coding strand, the complement: COL7A1 is on the minus strand). VCF-style: chr3-48583772-G-A. GRCh37 (hg19) VCF-style: chr3-48621205-G-A.
Identifiers: ClinVar variation 754587 (VCV000754587.12), dbSNP rs749814590, ClinGen allele CA2380109.

ClinVar aggregate classification (germline): Likely benign. Review status: criteria provided, single submitter (1 of 4 stars). 3 submissions from 3 submitters: Likely benign (1). 2 of the submissions do not count toward it. Last evaluated 2025-12-28.

Conditions:
Epidermolysis bullosa dystrophica inversa, autosomal recessive. Identifiers: MedGen C2673612.
COL7A1-related disorder. Also called: COL7A1-related condition; COL7A1- related disorders.

Allele frequency attached by ClinVar (database versions not stated): gnomAD exomes 0.00003 and 0.00005; ExAC 0.00004; gnomAD 0.00006 and 0.00007; TOPMed 0.00011; 1000 Genomes Project 30x 0.00016.
gnomAD v4.1: 49 of 1,613,766 alleles (0.003%); highest among the groups gnomAD compares: Admixed American, 0.023%; no homozygotes.

Submissions (3):

Labcorp Genetics (formerly Invitae), Labcorp
Classification: Likely benign. Last evaluated: 2025-12-28. Review status: criteria provided, single submitter. Criteria: Invitae Variant Classification Sherloc (09022015). Collection method: clinical testing. Allele origin: germline.

PreventionGenetics, part of Exact Sciences
Classification: Likely benign for COL7A1-related condition. Last evaluated: 2024-07-24. Review status: no assertion criteria provided. Collection method: clinical testing. Allele origin: germline. Not counted in ClinVar's aggregate classification.
Comment: This variant is classified as likely benign based on ACMG/AMP sequence variant interpretation guidelines (Richards et al. 2015 PMID: 25741868, with internal and published modifications).

Natera, Inc.
Classification: Uncertain significance for Autosomal recessive epidermolysis bullosa dystrophica inversa. Last evaluated: 2020-08-27. Review status: no assertion criteria provided. Collection method: clinical testing. Allele origin: germline. Not counted in ClinVar's aggregate classification.